The following is an entry in ClinVar:

ClinVar aggregate classification (germline): Uncertain significance (1 of 4 stars; one submission).

Submission:

Athena Diagnostics
Classification: Uncertain significance. Last evaluated: 2023-08-29. Review status: criteria provided, single submitter. Criteria: Athena Diagnostics Criteria. Collection method: clinical testing. Allele origin: unknown.
Comment: Available data are insufficient to determine the clinical significance of the variant at this time. This variant has not been reported in large, multi-ethnic general populations. Computational tools disagree on the variant's effect on normal protein function.

NM_182961.4(SYNE1):c.10996C>A (p.Leu3666Met)

Gene: SYNE1 (spectrin repeat containing nuclear envelope protein 1; minus strand). Cytogenetic location: 6q25.2.
Variant type: single nucleotide variant.
Coding change: c.10996C>A on transcript NM_182961.4 (MANE Select); coding-DNA position 10996, C replaced by A.
Protein change: p.Leu3666Met; replaces leucine 3666 with methionine.
Molecular consequence: missense variant.
Genome position (GRCh38, 1-based): chr6:152,353,675, G>T on the plus strand (C>A on the coding strand, the complement: SYNE1 is on the minus strand). VCF-style: chr6-152353675-G-T. GRCh37 (hg19) VCF-style: chr6-152674810-G-T.
Other names: c.10951C>A, p.Leu3651Met (NM_033071.5); short protein forms L3651M, L3666M.
Identifiers: ClinVar variation 2684027 (VCV002684027.1), dbSNP rs1014470409, ClinGen allele CA150200604.